The following is an entry in ClinVar:

ClinVar aggregate classification (germline): Uncertain significance. Review status: criteria provided, multiple submitters, no conflicts (2 of 4 stars). 3 submissions from 3 submitters: Uncertain significance (3). Last evaluated 2022-09-13.

Conditions:
Primary ciliary dyskinesia. Also called: Ciliary dyskinesia. Identifiers: Orphanet 244, MedGen C0008780, MONDO:0016575, HP:0012265.
Primary ciliary dyskinesia 14. Also called: CILIARY DYSKINESIA, PRIMARY, 14, WITH OR WITHOUT SITUS INVERSUS. Identifiers: Orphanet 244, MedGen C3151136, MONDO:0013434, OMIM 613807.

Allele frequency attached by ClinVar (database versions not stated): gnomAD 0.00003 and 0.00004; TOPMed 0.00004; ExAC 0.00005; gnomAD exomes 0.00005 and 0.00007.
gnomAD v4.1: 70 of 1,537,058 alleles (0.0046%); highest among the groups gnomAD compares: Non-Finnish European, 0.006%; no homozygotes.

Submissions (3):

Ambry Genetics
Classification: Uncertain significance for Primary ciliary dyskinesia. Last evaluated: 2022-09-13. Review status: criteria provided, single submitter. Criteria: Ambry Variant Classification Scheme 2023. Collection method: clinical testing. Allele origin: germline.
Comment: The c.1665+3G>A intronic variant results from a G to A substitution 3 nucleotides after coding exon 12 in the CCDC39 gene. This nucleotide position is not well conserved in available vertebrate species. In silico splice site analysis predicts that this alteration will not have any significant effect on splicing. Since supporting evidence is limited at this time, the clinical significance of this alteration remains unclear.

Department of Human Genetics, Hannover Medical School
Classification: Uncertain significance for Primary ciliary dyskinesia 14. Last evaluated: 2022-08-25. Review status: criteria provided, single submitter. Criteria: ACMG Guidelines, 2015. Collection method: clinical testing. Allele origin: germline.
Comment: The variant is located in the donor splice site region. The mRNA splicing prediction programs chosen indicated amplification of the natural splice donor. The variant is currently unknown in the ClinVar and LOVD databases and the literature. The population database gnomAD reports an allele frequency of 0.00068% for the variant (gnomAD; ALL).

Labcorp Genetics (formerly Invitae), Labcorp
Classification: Uncertain significance for Primary ciliary dyskinesia. Last evaluated: 2022-04-19. Review status: criteria provided, single submitter. Criteria: Invitae Variant Classification Sherloc (09022015). Collection method: clinical testing. Allele origin: germline.
Comment: This sequence change falls in intron 12 of the CCDC39 gene. It does not directly change the encoded amino acid sequence of the CCDC39 protein. It affects a nucleotide within the consensus splice site. This variant is present in population databases (rs763769524, gnomAD 0.02%). This variant has not been reported in the literature in individuals affected with CCDC39-related conditions. Variants that disrupt the consensus splice site are a relatively common cause of aberrant splicing (PMID: 17576681, 9536098). Algorithms developed to predict the effect of sequence changes on RNA splicing suggest that this variant is not likely to affect RNA splicing. In summary, the available evidence is currently insufficient to determine the role of this variant in disease. Therefore, it has been classified as a Variant of Uncertain Significance.

Literature cited by the submitters: PubMed 17576681 (cited by Labcorp Genetics (formerly Invitae), Labcorp); PubMed 9536098 (cited by Labcorp Genetics (formerly Invitae), Labcorp).

NM_181426.2(CCDC39):c.1665+3G>A

Gene: CCDC39 (coiled-coil domain 39 molecular ruler complex subunit; minus strand). Cytogenetic location: 3q26.33.
Variant type: single nucleotide variant.
Coding change: c.1665+3G>A on transcript NM_181426.2 (MANE Select); 3 bases into the intron after coding-DNA position 1665, G replaced by A.
Molecular consequence: intron variant.
Genome position (GRCh38, 1-based): chr3:180,644,117, C>T on the plus strand (G>A on the coding strand, the complement: CCDC39 is on the minus strand). VCF-style: chr3-180644117-C-T. GRCh37 (hg19) VCF-style: chr3-180361905-C-T.
Identifiers: ClinVar variation 1702953 (VCV001702953.13), dbSNP rs763769524, ClinGen allele CA2715907.